The following is an entry in ClinVar:

NM_001127222.2(CACNA1A):c.2474T>G (p.Val825Gly)

Gene: CACNA1A (calcium voltage-gated channel subunit alpha1 A; minus strand). Cytogenetic location: 19p13.13.
Variant type: single nucleotide variant.
Coding change: c.2474T>G on transcript NM_001127222.2 (MANE Select); coding-DNA position 2474, T replaced by G.
Protein change: p.Val825Gly; replaces valine 825 with glycine.
Molecular consequence: missense variant.
Genome position (GRCh38, 1-based): chr19:13,299,159, A>C on the plus strand (T>G on the coding strand, the complement: CACNA1A is on the minus strand). VCF-style: chr19-13299159-A-C. GRCh37 (hg19) VCF-style: chr19-13409973-A-C.
Other names: c.2486T>G, p.Val829Gly (NM_000068.4, NM_023035.3); c.2477T>G, p.Val826Gly (NM_001127221.2, NM_001174080.2); short protein forms V825G, V826G, V829G.
Identifiers: ClinVar variation 3347139 (VCV003347139.1).

ClinVar aggregate classification (germline): Uncertain significance (0 of 4 stars; one submission).

Conditions:
CACNA1A-related disorder. Also called: CACNA1A-related condition.

gnomAD v4.1: 1 of 1,613,010 alleles (0.000062%); highest among the groups gnomAD compares: Non-Finnish European, 0.000085%; no homozygotes.

Submission:

PreventionGenetics, part of Exact Sciences
Classification: Uncertain significance for CACNA1A-related condition. Last evaluated: 2024-06-25. Review status: no assertion criteria provided. Collection method: clinical testing. Allele origin: germline.
Comment: The CACNA1A c.2474T>G variant is predicted to result in the amino acid substitution p.Val825Gly. To our knowledge, this variant has not been reported in the literature or in a large population database, indicating this variant is rare. At this time, the clinical significance of this variant is uncertain due to the absence of conclusive functional and genetic evidence.